The following is an entry in ClinVar:

ClinVar aggregate classification (germline): Uncertain significance (1 of 4 stars; one submission).

Conditions:
Facioscapulohumeral muscular dystrophy 2 (FSHD2). Also called: FACIOSCAPULOHUMERAL MUSCULAR DYSTROPHY 2, DIGENIC; FSHD2, DIGENIC; MUSCULAR DYSTROPHY, FACIOSCAPULOHUMERAL, TYPE 1B. Identifiers: Orphanet 269, MedGen C1834671, MONDO:0008031, OMIM 158901.

gnomAD v4.1: 1 of 1,613,316 alleles (0.000062%); highest among the groups gnomAD compares: Non-Finnish European, 0.000085%; no homozygotes.

Submission:

Labcorp Genetics (formerly Invitae), Labcorp
Classification: Uncertain significance for Facioscapulohumeral muscular dystrophy 2. Last evaluated: 2025-08-11. Review status: criteria provided, single submitter. Criteria: Invitae Variant Classification Sherloc (09022015). Collection method: clinical testing. Allele origin: germline.
Comment: This sequence change replaces phenylalanine, which is neutral and non-polar, with cysteine, which is neutral and slightly polar, at codon 1244 of the SMCHD1 protein (p.Phe1244Cys). This variant is not present in population databases (gnomAD no frequency). This variant has not been reported in the literature in individuals affected with SMCHD1-related conditions. Invitae Evidence Modeling of protein sequence and biophysical properties (such as structural, functional, and spatial information, amino acid conservation, physicochemical variation, residue mobility, and thermodynamic stability) indicates that this missense variant is not expected to disrupt SMCHD1 protein function with a negative predictive value of 80%. In summary, the available evidence is currently insufficient to determine the role of this variant in disease. Therefore, it has been classified as a Variant of Uncertain Significance.

NM_015295.3(SMCHD1):c.3731T>G (p.Phe1244Cys)

Gene: SMCHD1 (structural maintenance of chromosomes flexible hinge domain containing 1; plus strand). Cytogenetic location: 18p11.32.
Variant type: single nucleotide variant.
Coding change: c.3731T>G on transcript NM_015295.3 (MANE Select); coding-DNA position 3731, T replaced by G.
Protein change: p.Phe1244Cys; replaces phenylalanine 1244 with cysteine.
Molecular consequence: missense variant.
Genome position (GRCh38, 1-based): chr18:2,743,858, T>G. VCF-style: chr18-2743858-T-G. GRCh37 (hg19) VCF-style: chr18-2743856-T-G.
Other names: short protein forms F1244C.
Identifiers: ClinVar variation 4721310 (VCV004721310.1).
Genomic context (GRCh38, chr18:2,743,858, plus strand): 5'-TTATTCCAGGTCCTCCTGGAAATAAGGATCTTTGTTTTACTTGGCGTGAGTTTTCTGACT[T>G]TATTCGAGTGCAACTAATTTCTGGACCTCCTGCTAAACTTCTCCTTATAGACTGGCCAGA-3'
Protein context (NP_056110.2, residues 1234-1254): LCFTWREFSD[Phe1244Cys]IRVQLISGPP